The following is an entry in ClinVar:

NM_007294.4(BRCA1):c.81-2del

Gene: BRCA1 (BRCA1 DNA repair associated; minus strand). Cytogenetic location: 17q21.31.
Variant type: Deletion.
Coding change: c.81-2del on transcript NM_007294.4 (MANE Select); the canonical splice acceptor site of the intron before coding-DNA position 81, one base deleted (A; older notation c.81-2delA).
Molecular consequence: splice acceptor variant. On other transcripts: intron variant (41).
Genome position (GRCh38, 1-based): chr17:43,115,781, T deleted on the plus strand (A on the coding strand, the reverse complement: BRCA1 is on the minus strand). VCF-style (leftmost placement, unchanged base first): chr17-43115780-CT-C. GRCh37 (hg19) VCF-style: chr17-41267797-CT-C.
Other names: IVS2-2delA; c.-108-2del (NM_001408508.1, NM_001408491.1, NM_001407918.1 and 52 more transcripts); c.81-2del (NM_001408408.1, NM_001407647.1, NM_001408446.1 and 191 more transcripts); c.-61-2del (NM_001407944.1, NM_001407734.1, NM_001407730.1 and 47 more transcripts); c.-219+9490del (NM_001407966.1); c.-170+9490del (NM_001407963.1); c.-7-9248del (NM_001408511.1, NM_001408457.1, NM_001407692.1 and 2 more transcripts); c.-223-2del (NM_001407960.1, NM_001407962.1, NM_001408512.1 and 1 more transcripts); and 12 more.
Identifiers: ClinVar variation 55717 (VCV000055717.20), dbSNP rs273902791, ClinGen allele CA003913.
Genomic context (GRCh38, chr17:43,115,780, plus strand): 5'-ACTTACTTGCAAAATATGTGGTCACACTTTGTGGAGACAGGTTCCTTGATCAACTCCAGA[CT>C]AGCAGGGTAGGGGGGGAGAAAAAGAAAATAAATGAGGCTCAATAATTTATTTAAAAATAA-3'

ClinVar aggregate classification (germline): Pathogenic. Review status: criteria provided, multiple submitters, no conflicts (2 of 4 stars). 7 submissions from 7 submitters: Pathogenic (6). 1 of the submissions does not count toward it. Last evaluated 2024-06-10.

Conditions:
Hereditary cancer-predisposing syndrome. Also called: Hereditary Cancer Syndrome; Hereditary neoplastic syndrome; Neoplastic Syndromes, Hereditary; Tumor predisposition. Identifiers: Orphanet 140162, MedGen C0027672, MeSH D009386, MONDO:0015356.
Inherited ovarian cancer (without breast cancer).
Breast-ovarian cancer, familial, susceptibility to, 1 (BROVCA1). Also called: BRCA1 Hereditary Breast and Ovarian Cancer; OVARIAN CANCER, SUSCEPTIBILITY TO. Identifiers: Orphanet 145, MedGen C2676676, MONDO:0011450, OMIM 604370. Disease mechanism: loss of function.
Hereditary breast ovarian cancer syndrome. Also called: BRCA1- and BRCA2-Associated Hereditary Breast and Ovarian Cancer; Hereditary breast and ovarian cancer syndrome; Hereditary breast and ovarian cancer syndrome (HBOC); Breast and ovarian cancer; Hereditary breast and/or ovarian cancer syndrome; Hereditary breast and ovarian cancer. Identifiers: Orphanet 145, MedGen C0677776, MeSH D061325, MONDO:0003582. Disease mechanism: loss of function.

Submissions (7):

Genomics and Molecular Medicine Service, East Genomic Laboratory Hub, NHS Genomic Medicine Service
Classification: Pathogenic for Inherited ovarian cancer (without breast cancer). Last evaluated: 2024-06-10. Review status: criteria provided, single submitter. Criteria: ACGS Best Practice Guidelines for Variant Classification in Rare Disease 2020. Collection method: clinical testing. Allele origin: germline. Affected: yes.
Comment: PVS1,PM2

Labcorp Genetics (formerly Invitae), Labcorp
Classification: Pathogenic for Hereditary breast ovarian cancer syndrome. Last evaluated: 2024-01-24. Review status: criteria provided, single submitter. Criteria: Invitae Variant Classification Sherloc (09022015). Collection method: clinical testing. Allele origin: germline.
Comment: This sequence change affects a splice site in intron 2 of the BRCA1 gene. RNA analysis indicates that disruption of this splice site induces altered splicing and may result in an absent or disrupted protein product. This variant is not present in population databases (gnomAD no frequency). Disruption of this splice site has been observed in individual(s) with breast and/or ovarian cancer (PMID: 15066328, 25556971). ClinVar contains an entry for this variant (Variation ID: 55717). Studies have shown that disruption of this splice site alters mRNA splicing and is expected to lead to the loss of protein expression (PMID: 22505045; Invitae). For these reasons, this variant has been classified as Pathogenic.

Color Diagnostics, LLC DBA Color Health
Classification: Pathogenic for Hereditary cancer-predisposing syndrome. Last evaluated: 2021-07-19. Review status: criteria provided, single submitter. Criteria: ACMG Guidelines, 2015. Collection method: clinical testing. Allele origin: germline.
Comment: This variant deletes a nucleotide at the -2 position of intron 2 of the BRCA1 gene. An RNA study has shown that this variant causes skipping of exon 3, creating a premature translation stop signal (PMID: 15066328). This variant is expected to result in an absent or non-functional protein product. This variant has been reported in individuals affected with breast and/or ovarian cancer (PMID: 15066328, 25556971; Color internal data). This variant has not been identified in the general population by the Genome Aggregation Database (gnomAD). Loss of BRCA1 function is a known mechanism of disease. Based on the available evidence, this variant is classified as Pathogenic.

Women's Health and Genetics/Laboratory Corporation of America, LabCorp
Classification: Pathogenic for Hereditary breast ovarian cancer syndrome. Last evaluated: 2021-04-02. Review status: criteria provided, single submitter. Criteria: LabCorp Variant Classification Summary - May 2015. Collection method: clinical testing. Allele origin: germline.
Comment: Variant summary: BRCA1 c.81-2delA is located in a canonical splice-site and is predicted to affect mRNA splicing resulting in a significantly altered protein due to either exon skipping, shortening, or inclusion of intronic material. Several computational tools predict a significant impact on normal splicing: Four predict the variant abolishes a 3' acceptor site. At least one publication reports experimental evidence that this variant affects mRNA splicing (Martin_2004). The variant was absent in 250180 control chromosomes. c.81-2delA has been reported in the literature in individuals affected with Hereditary Breast And Ovarian Cancer Syndrome (example, Martin_2004, Trujillano_2015). These data indicate that the variant may be associated with disease. Two clinical diagnostic laboratories have submitted clinical-significance assessments for this variant to ClinVar after 2014 without evidence for independent evaluation. All laboratories classified the variant as pathogenic. One submitter cites overlapping evidence utilized in the context of this evaluation and also cites internal data to support their classification outcome. Based on the evidence outlined above, the variant was classified as pathogenic.

Quest Diagnostics Nichols Institute San Juan Capistrano
Classification: Pathogenic. Last evaluated: 2020-12-04. Review status: criteria provided, single submitter. Criteria: Quest Diagnostics criteria. Collection method: clinical testing. Allele origin: unknown.
Comment: This variant is located in a canonical splice-acceptor site and interferes with normal BRCA1 mRNA splicing. The variant has been reported in individuals affected with breast cancer in the published literature (PMID: 15066328 (2004), 25556971 (2015)). This variant has not been reported in large, multi-ethnic general populations. Based on the available information, this variant is classified as pathogenic.

Ambry Genetics
Classification: Pathogenic for Hereditary cancer-predisposing syndrome. Last evaluated: 2017-07-06. Review status: criteria provided, single submitter. Criteria: Ambry Variant Classification Scheme 2023. Collection method: clinical testing. Allele origin: germline.
Comment: The c.81-2delA intronic pathogenic mutation results from the deletion of one nucleotide two nucleotides upstream from coding exon 2 in the BRCA1 gene. This mutation (designated as IVS2-2delA) was reported in a Filipino family with breast and ovarian cancer. RT-PCR studies showed that this intronic nucleotide deletion abolishes the native splice acceptor site and creates a subsequent frameshift, causing a premature stop codon in BRCA1 (Ambry internal data; Martin ES et al. Cancer Genet. Cytogenet. 2004 Apr;150:173-5). In addition to the clinical data presented in the literature, alterations that disrupt the canonical splice site are expected to cause aberrant splicing, resulting in an abnormal protein or a transcript that is subject to nonsense-mediated mRNA decay. As such, this alteration is classified as a disease-causing mutation.

Breast Cancer Information Core (BIC) (BRCA1)
Classification: Pathogenic for Breast-ovarian cancer, familial 1. Last evaluated: 2001-10-29. Review status: no assertion criteria provided. Collection method: clinical testing. Allele origin: germline. Affected: yes. Observed: 1 variant allele. Not counted in ClinVar's aggregate classification.

Literature cited by the submitters: PubMed 15066328 (cited by 4 submitters); PubMed 25556971 (cited by 3 submitters); PubMed 22505045 (cited by Labcorp Genetics (formerly Invitae), Labcorp and Ambry Genetics).